The following is an entry in ClinVar:

ClinVar aggregate classification (germline): Uncertain significance (1 of 4 stars; one submission).

gnomAD v4.1: 2 of 1,614,154 alleles (0.00012%); highest among the groups gnomAD compares: Non-Finnish European, 0.00017%; no homozygotes.

Submission:

GeneDx
Classification: Uncertain significance. Last evaluated: 2024-12-27. Review status: criteria provided, single submitter. Criteria: GeneDx Variant Classification Process June 2021. Collection method: clinical testing. Allele origin: germline. Affected: yes.
Comment: Not observed at significant frequency in large population cohorts (gnomAD); In silico analysis indicates that this missense variant does not alter protein structure/function; Has not been previously published as pathogenic or benign to our knowledge

NM_001378418.1(TCF20):c.4488T>G (p.Asn1496Lys)

Gene: TCF20 (transcription factor 20; minus strand). Cytogenetic location: 22q13.2.
Variant type: single nucleotide variant.
Coding change: c.4488T>G on transcript NM_001378418.1 (MANE Select); coding-DNA position 4488, T replaced by G.
Protein change: p.Asn1496Lys; replaces asparagine 1496 with lysine.
Molecular consequence: missense variant.
Genome position (GRCh38, 1-based): chr22:42,210,818, A>C on the plus strand (T>G on the coding strand, the complement: TCF20 is on the minus strand). VCF-style: chr22-42210818-A-C. GRCh37 (hg19) VCF-style: chr22-42606824-A-C.
Other names: c.4488T>G, p.Asn1496Lys (NM_005650.4, NM_181492.3); short protein forms N1496K.
Identifiers: ClinVar variation 3907798 (VCV003907798.1).